The following is an entry in ClinVar:

NM_015443.4(KANSL1):c.2824CGG[1] (p.Arg943del)

Gene: KANSL1 (KAT8 regulatory NSL complex subunit 1). Cytogenetic location: 17q21.31.
Variant type: Microsatellite.
Coding change: c.2824CGG[1] on transcript NM_015443.4 (MANE Select); one copy of the 3-base unit CGG starting at c.2824.
Protein change: p.Arg943del; deletes arginine 943.
Genome position: GRCh38 VCF-style: chr17-46033087-CCCG-C. GRCh37 (hg19) VCF-style: chr17-44110453-CCCG-C.
Other names: c.2821CGG[1], p.Arg942del (NM_001193465.2, NM_001405856.1, NM_001405857.1 and 1 more transcripts); c.2824CGG[1], p.Arg943del (NM_001193466.2, NM_001379198.1, NM_001405854.1 and 4 more transcripts); c.2722CGG[1], p.Arg909del (NM_001405859.1, NM_001405860.1); c.2719CGG[1], p.Arg908del (NM_001405861.1, NM_001405881.1); c.2635CGG[1], p.Arg880del (NM_001405875.1, NM_001405876.1, NM_001405877.1 and 1 more transcripts); c.2632CGG[1], p.Arg879del (NM_001405879.1, NM_001405880.1); c.1558CGG[1], p.Arg521del (NM_001405882.1); c.1555CGG[1], p.Arg520del (NM_001405883.1); and 2 more; short protein forms R908del, R909del, R457del, R458del, R520del, R521del, R880del, R943del.
Identifiers: ClinVar variation 3656920 (VCV003656920.2).

ClinVar aggregate classification (germline): Uncertain significance (1 of 4 stars; one submission).

Conditions:
Koolen-de Vries syndrome (KDVS). Identifiers: Orphanet 96169, MedGen C1864871, MONDO:0012496, OMIM 610443.

Submission:

Labcorp Genetics (formerly Invitae), Labcorp
Classification: Uncertain significance for Koolen-de Vries syndrome. Last evaluated: 2024-06-18. Review status: criteria provided, single submitter. Criteria: Invitae Variant Classification Sherloc (09022015). Collection method: clinical testing. Allele origin: germline.
Comment: This variant, c.2827_2829del, results in the deletion of 1 amino acid(s) of the KANSL1 protein (p.Arg943del), but otherwise preserves the integrity of the reading frame. This variant is not present in population databases (gnomAD no frequency). This variant has not been reported in the literature in individuals affected with KANSL1-related conditions. Experimental studies and prediction algorithms are not available or were not evaluated, and the functional significance of this variant is currently unknown. In summary, the available evidence is currently insufficient to determine the role of this variant in disease. Therefore, it has been classified as a Variant of Uncertain Significance.